The following is an entry in ClinVar:

ClinVar aggregate classification (germline): Uncertain significance (1 of 4 stars; one submission).

Allele frequency attached by ClinVar (database versions not stated): gnomAD 0.00001.
gnomAD v4.1: 24 of 1,613,990 alleles (0.0015%); highest among the groups gnomAD compares: Non-Finnish European, 0.0018%; no homozygotes.

Submission:

Labcorp Genetics (formerly Invitae), Labcorp
Classification: Uncertain significance. Last evaluated: 2022-11-22. Review status: criteria provided, single submitter. Criteria: Invitae Variant Classification Sherloc (09022015). Collection method: clinical testing. Allele origin: germline.
Comment: This sequence change replaces threonine, which is neutral and polar, with proline, which is neutral and non-polar, at codon 889 of the TTLL5 protein (p.Thr889Pro). This variant is present in population databases (no rsID available, gnomAD 0.004%). This variant has not been reported in the literature in individuals affected with TTLL5-related conditions. Advanced modeling of protein sequence and biophysical properties (such as structural, functional, and spatial information, amino acid conservation, physicochemical variation, residue mobility, and thermodynamic stability) performed at Invitae indicates that this missense variant is not expected to disrupt TTLL5 protein function. In summary, the available evidence is currently insufficient to determine the role of this variant in disease. Therefore, it has been classified as a Variant of Uncertain Significance.

NM_015072.5(TTLL5):c.2665A>C (p.Thr889Pro)

Gene: TTLL5 (tubulin tyrosine ligase like 5; plus strand). Cytogenetic location: 14q24.3.
Variant type: single nucleotide variant.
Coding change: c.2665A>C on transcript NM_015072.5 (MANE Select); coding-DNA position 2665, A replaced by C.
Protein change: p.Thr889Pro; replaces threonine 889 with proline.
Molecular consequence: missense variant.
Genome position (GRCh38, 1-based): chr14:75,783,209, A>C. VCF-style: chr14-75783209-A-C. GRCh37 (hg19) VCF-style: chr14-76249552-A-C.
Other names: short protein forms T889P.
Identifiers: ClinVar variation 1713591 (VCV001713591.4), dbSNP rs778408194, ClinGen allele CA390472110.